The following is an entry in ClinVar:

ClinVar aggregate classification (germline): Uncertain significance (1 of 4 stars; one submission).

Submission:

Labcorp Genetics (formerly Invitae), Labcorp
Classification: Uncertain significance. Last evaluated: 2022-07-13. Review status: criteria provided, single submitter. Criteria: Invitae Variant Classification Sherloc (09022015). Collection method: clinical testing. Allele origin: germline.
Comment: In summary, the available evidence is currently insufficient to determine the role of this variant in disease. Therefore, it has been classified as a Variant of Uncertain Significance. Algorithms developed to predict the effect of missense changes on protein structure and function (SIFT, PolyPhen-2, Align-GVGD) all suggest that this variant is likely to be tolerated. This variant has not been reported in the literature in individuals affected with TAPT1-related conditions. This variant is not present in population databases (gnomAD no frequency). This sequence change replaces isoleucine, which is neutral and non-polar, with valine, which is neutral and non-polar, at codon 277 of the TAPT1 protein (p.Ile277Val).

NM_153365.3(TAPT1):c.829A>G (p.Ile277Val)

Gene: TAPT1 (transmembrane anterior posterior transformation 1; minus strand). Cytogenetic location: 4p15.32.
Variant type: single nucleotide variant.
Coding change: c.829A>G on transcript NM_153365.3 (MANE Select); coding-DNA position 829, A replaced by G.
Protein change: p.Ile277Val; replaces isoleucine 277 with valine.
Molecular consequence: missense variant.
Genome position (GRCh38, 1-based): chr4:16,186,798, T>C on the plus strand (A>G on the coding strand, the complement: TAPT1 is on the minus strand). VCF-style: chr4-16186798-T-C. GRCh37 (hg19) VCF-style: chr4-16188421-T-C.
Other names: short protein forms I277V.
Identifiers: ClinVar variation 2044226 (VCV002044226.4), dbSNP rs2531937113, ClinGen allele CA356495396.